The following is an entry in ClinVar:

NM_138459.5(NUS1):c.688C>T (p.Leu230Phe)

Gene: NUS1 (NUS1 dehydrodolichyl diphosphate synthase subunit; plus strand). Cytogenetic location: 6q22.1.
Variant type: single nucleotide variant.
Coding change: c.688C>T on transcript NM_138459.5 (MANE Select); coding-DNA position 688, C replaced by T.
Protein change: p.Leu230Phe; replaces leucine 230 with phenylalanine.
Molecular consequence: missense variant.
Genome position (GRCh38, 1-based): chr6:117,694,177, C>T. VCF-style: chr6-117694177-C-T. GRCh37 (hg19) VCF-style: chr6-118015340-C-T.
Other names: short protein forms L230F.
Identifiers: ClinVar variation 4881218 (VCV004881218.2).

ClinVar aggregate classification (germline): Uncertain significance (1 of 4 stars; one submission).

Conditions:
Intellectual developmental disorder, autosomal dominant 55, with seizures. Also called: MENTAL RETARDATION, AUTOSOMAL DOMINANT 55, WITH SEIZURES; Intellectual disability, autosomal dominant 55, with seizures. Identifiers: MedGen C4693371, MONDO:0030921, OMIM 617831.

Submission:

Dasa
Classification: Uncertain significance for Intellectual developmental disorder, autosomal dominant 55, with seizures. Last evaluated: 2025-10-28. Review status: criteria provided, single submitter. Criteria: DASA Assertion Criteria. Collection method: clinical testing. Allele origin: germline.
Comment: NM_138459.5(NUS1):c.688C>T (p.Leu230Phe) is a missense variant that results in the substitution of leucine with phenylalanine. This variant is absent from population databases. The currently available literature and clinical evidence are not sufficient to establish a definitive association between this variant and the reported condition. Therefore, this variant is classified as a variant of uncertain significance.